The following is an entry in ClinVar:

ClinVar aggregate classification (germline): Benign/Likely benign. Review status: criteria provided, multiple submitters, no conflicts (2 of 4 stars). 3 submissions from 3 submitters: Benign (1); Likely benign (2). Last evaluated 2024-04-02.

Conditions:
Hereditary cancer-predisposing syndrome. Also called: Neoplastic Syndromes, Hereditary; Hereditary Cancer Syndrome; Tumor predisposition; Hereditary neoplastic syndrome. Identifiers: Orphanet 140162, MedGen C0027672, MeSH D009386, MONDO:0015356.
Familial adenomatous polyposis 1 (FAP1). Also called: FAMILIAL ADENOMATOUS POLYPOSIS 1, ATTENUATED; POLYPOSIS, ADENOMATOUS INTESTINAL. Identifiers: MedGen C2713442, MONDO:0021056, OMIM 175100. Disease mechanism: loss of function.

Submissions (3):

Myriad Genetics, Inc.
Classification: Benign for Familial adenomatous polyposis 1. Last evaluated: 2024-04-02. Review status: criteria provided, single submitter. Criteria: Myriad Autosomal Dominant, Autosomal Recessive and X-Linked Classification Criteria (2023). Collection method: clinical testing. Allele origin: unknown.
Comment: This variant is considered benign. This variant is a silent/synonymous amino acid change and it is not expected to impact splicing.

Ambry Genetics
Classification: Likely benign for Hereditary cancer-predisposing syndrome. Last evaluated: 2023-11-17. Review status: criteria provided, single submitter. Criteria: Ambry Variant Classification Scheme 2023. Collection method: clinical testing. Allele origin: germline.

Labcorp Genetics (formerly Invitae), Labcorp
Classification: Likely benign for Familial adenomatous polyposis 1. Last evaluated: 2021-10-16. Review status: criteria provided, single submitter. Criteria: Invitae Variant Classification Sherloc (09022015). Collection method: clinical testing. Allele origin: germline.

NM_000038.6(APC):c.5793C>T (p.Ser1931=)

Gene: APC (APC regulator of Wnt signaling pathway; plus strand). Cytogenetic location: 5q22.2.
Variant type: single nucleotide variant.
Coding change: c.5793C>T on transcript NM_000038.6 (MANE Select); coding-DNA position 5793, C replaced by T.
Protein change: p.Ser1931=; no amino-acid change (serine 1931 retained).
Molecular consequence: synonymous variant.
Genome position (GRCh38, 1-based): chr5:112,841,387, C>T. VCF-style: chr5-112841387-C-T. GRCh37 (hg19) VCF-style: chr5-112177084-C-T.
Other names: c.5793C>T, p.Ser1931= (NM_001127510.3, NM_001354895.2); c.5739C>T, p.Ser1913= (NM_001127511.3); c.5847C>T, p.Ser1949= (NM_001354896.2); c.5823C>T, p.Ser1941= (NM_001354897.2); c.5718C>T, p.Ser1906= (NM_001354898.2); c.5709C>T, p.Ser1903= (NM_001354899.2); c.5670C>T, p.Ser1890= (NM_001354900.2); c.5616C>T, p.Ser1872= (NM_001354901.2); and 5 more.
Identifiers: ClinVar variation 741750 (VCV000741750.14), dbSNP rs1580663971, ClinGen allele CA446209483.